The following is an entry in ClinVar:

NM_001364905.1(LRBA):c.675dup (p.Pro226fs)

Gene: LRBA (LPS responsive beige-like anchor protein; minus strand). Cytogenetic location: 4q31.3.
Variant type: Duplication.
Coding change: c.675dup on transcript NM_001364905.1 (MANE Select); coding-DNA position 675, one base duplicated (G; older notation c.675dupG).
Protein change: p.Pro226fs; shifts the reading frame from proline 226.
Molecular consequence: frameshift variant.
Genome position (GRCh38, 1-based): chr4:150,916,709, C duplicated on the plus strand (G on the coding strand, the reverse complement: LRBA is on the minus strand); the first of 2 consecutive C bases (chr4:150,916,709-150,916,710); duplicating either gives the same sequence. VCF-style (leftmost placement, unchanged base first): chr4-150916708-G-GC. GRCh37 (hg19) VCF-style: chr4-151837860-G-GC.
Other names: c.674dup, p.Pro226Alafs (NM_001199282.3, NM_006726.5); c.675dup, p.Pro226fs (NM_001367550.1); short protein forms P226fs.
Identifiers: ClinVar variation 3606436 (VCV003606436.2).

ClinVar aggregate classification (germline): Pathogenic (1 of 4 stars; one submission).

Conditions:
Combined immunodeficiency due to LRBA deficiency. Also called: Common variable immunodeficiency 8, with autoimmunity. Identifiers: Orphanet 445018, MedGen C3553512, MONDO:0013863, OMIM 614700.

Submission:

Labcorp Genetics (formerly Invitae), Labcorp
Classification: Pathogenic for Combined immunodeficiency due to LRBA deficiency. Last evaluated: 2024-02-12. Review status: criteria provided, single submitter. Criteria: Invitae Variant Classification Sherloc (09022015). Collection method: clinical testing. Allele origin: germline.
Comment: This sequence change creates a premature translational stop signal (p.Pro226Alafs*13) in the LRBA gene. It is expected to result in an absent or disrupted protein product. Loss-of-function variants in LRBA are known to be pathogenic (PMID: 26206937, 26768763). This variant is not present in population databases (gnomAD no frequency). This variant has not been reported in the literature in individuals affected with LRBA-related conditions. Algorithms developed to predict the effect of sequence changes on RNA splicing suggest that this variant may disrupt the consensus splice site. For these reasons, this variant has been classified as Pathogenic.

Literature cited by the submitters: PubMed 26206937; PubMed 26768763.